The following is an entry in ClinVar:

ClinVar aggregate classification (germline): Uncertain significance (1 of 4 stars; one submission).

Allele frequency attached by ClinVar (database versions not stated): gnomAD exomes below 0.00001 and 0.00001; gnomAD 0.00001.
gnomAD v4.1: 8 of 1,613,798 alleles (0.0005%); highest among the groups gnomAD compares: Non-Finnish European, 0.00034%; no homozygotes.

Submission:

Labcorp Genetics (formerly Invitae), Labcorp
Classification: Uncertain significance. Last evaluated: 2022-07-12. Review status: criteria provided, single submitter. Criteria: Invitae Variant Classification Sherloc (09022015). Collection method: clinical testing. Allele origin: germline.
Comment: This sequence change replaces valine, which is neutral and non-polar, with alanine, which is neutral and non-polar, at codon 741 of the GRIN2D protein (p.Val741Ala). This variant is present in population databases (no rsID available, gnomAD 0.004%). This variant has not been reported in the literature in individuals affected with GRIN2D-related conditions. ClinVar contains an entry for this variant (Variation ID: 1357682). Advanced modeling of protein sequence and biophysical properties (such as structural, functional, and spatial information, amino acid conservation, physicochemical variation, residue mobility, and thermodynamic stability) performed at Invitae indicates that this missense variant is expected to disrupt GRIN2D protein function. In summary, the available evidence is currently insufficient to determine the role of this variant in disease. Therefore, it has been classified as a Variant of Uncertain Significance.

NM_000836.4(GRIN2D):c.2222T>C (p.Val741Ala)

Gene: GRIN2D (glutamate ionotropic receptor NMDA type subunit 2D; plus strand). Cytogenetic location: 19q13.33.
Variant type: single nucleotide variant.
Coding change: c.2222T>C on transcript NM_000836.4 (MANE Select); coding-DNA position 2222, T replaced by C.
Protein change: p.Val741Ala; replaces valine 741 with alanine.
Molecular consequence: missense variant.
Genome position (GRCh38, 1-based): chr19:48,421,915, T>C. VCF-style: chr19-48421915-T-C. GRCh37 (hg19) VCF-style: chr19-48925172-T-C.
Other names: short protein forms V741A.
Identifiers: ClinVar variation 1357682 (VCV001357682.8), dbSNP rs1270782646, ClinGen allele CA406664203.
Genomic context (GRCh38, chr19:48,421,915, plus strand): 5'-ACATCCGCAGCAACTATCCCGACATGCACAGCTACATGGTGCGCTACAACCAGCCCCGCG[T>C]AGAGGAAGCGCTCACTCAGCTCAAGGCAGGGTCAGCGCAGACTCGGGCCGGGGGTGGGGG-3'
Protein context (NP_000827.2, residues 731-751): SYMVRYNQPR[Val741Ala]EEALTQLKAG